The following is an entry in ClinVar:

ClinVar aggregate classification (germline): Uncertain significance (1 of 4 stars; one submission).

Conditions:
Periodic fever-infantile enterocolitis-autoinflammatory syndrome. Also called: Autoinflammation with infantile enterocolitis. Identifiers: Orphanet 436166, MedGen C4015067, MONDO:0014472, OMIM 616050.

Submission:

OLLIN Analises Genomicas, OLLIN
Classification: Uncertain significance for Periodic fever-infantile enterocolitis-autoinflammatory syndrome. Last evaluated: 2026-08-06. Review status: criteria provided, single submitter. Criteria: ACMG Guidelines 2015 PMID 25741868. Collection method: clinical testing. Allele origin: germline.
Comment: This nonsense variant, located in exon 6 (of 9), is absent from gnomAD and ClinVar and has not been identified in the literature. This variant introduces a premature stop codon, which is predicted to result in either a truncated protein or degradation of the mRNA via nonsense-mediated decay (NMD). According to the currently available evidence, this variant has been classified as uncertain significance (PM2_P).

NM_001199138.2(NLRC4):c.2480T>A (p.Leu827Ter)

Gene: NLRC4 (NLR family CARD domain containing 4; minus strand). Cytogenetic location: 2p22.3.
Variant type: single nucleotide variant.
Coding change: c.2480T>A on transcript NM_001199138.2 (MANE Select); coding-DNA position 2480, T replaced by A.
Protein change: p.Leu827Ter; replaces leucine 827 with a stop codon.
Molecular consequence: nonsense.
Genome position (GRCh38, 1-based): chr2:32,238,173, A>T on the plus strand (T>A on the coding strand, the complement: NLRC4 is on the minus strand). VCF-style: chr2-32238173-A-T. GRCh37 (hg19) VCF-style: chr2-32463242-A-T.
Other names: c.2480T>A, p.Leu827Ter (NM_001199139.2, NM_021209.5); c.485T>A, p.Leu162Ter (NM_001302504.2); short protein forms L162*, L827*.
Identifiers: ClinVar variation 5002814 (VCV005002814.1).